The following is an entry in ClinVar:

NM_001142800.2(EYS):c.2515C>T (p.Pro839Ser)

Gene: EYS (EGF-like photoreceptor maintenance factor; minus strand). Cytogenetic location: 6q12.
Variant type: single nucleotide variant.
Coding change: c.2515C>T on transcript NM_001142800.2 (MANE Select); coding-DNA position 2515, C replaced by T.
Protein change: p.Pro839Ser; replaces proline 839 with serine.
Molecular consequence: missense variant.
Genome position (GRCh38, 1-based): chr6:64,912,610, G>A on the plus strand (C>T on the coding strand, the complement: EYS is on the minus strand). VCF-style: chr6-64912610-G-A. GRCh37 (hg19) VCF-style: chr6-65622503-G-A.
Other names: c.2515C>T (NM_001142800.1); c.2515C>T, p.Pro839Ser (NM_001292009.2); short protein forms P839S.
Identifiers: ClinVar variation 2148267 (VCV002148267.3), dbSNP rs763640040, ClinGen allele CA3877279.

ClinVar aggregate classification (germline): Uncertain significance. Review status: criteria provided, multiple submitters, no conflicts (2 of 4 stars). 3 submissions from 3 submitters: Uncertain significance (3). Last evaluated 2026-04-10.

Conditions:
EYS-related disorder. Also called: EYS-related condition.

Allele frequency attached by ClinVar (database versions not stated): gnomAD exomes 0.00001; ExAC 0.00005.

Submissions (3):

PreventionGenetics, part of Exact Sciences
Classification: Uncertain significance for EYS-related condition. Last evaluated: 2026-04-10. Review status: criteria provided, single submitter. Criteria: ACMG Guidelines, 2015. Collection method: clinical testing. Allele origin: germline.
Comment: The EYS c.2515C>T variant is predicted to result in the amino acid substitution p.Pro839Ser. To our knowledge, this variant has not been reported in the literature. This variant is reported in 0.0033% of alleles in individuals of European (Non-Finnish) descent in gnomAD. At this time, the clinical significance of this variant is uncertain due to the absence of conclusive functional and genetic evidence.

Labcorp Genetics (formerly Invitae), Labcorp
Classification: Uncertain significance. Last evaluated: 2022-01-27. Review status: criteria provided, single submitter. Criteria: Invitae Variant Classification Sherloc (09022015). Collection method: clinical testing. Allele origin: germline.
Comment: This sequence change replaces proline, which is neutral and non-polar, with serine, which is neutral and polar, at codon 839 of the EYS protein (p.Pro839Ser). This variant is present in population databases (rs763640040, gnomAD 0.002%). This variant has not been reported in the literature in individuals affected with EYS-related conditions. Algorithms developed to predict the effect of missense changes on protein structure and function (SIFT, PolyPhen-2, Align-GVGD) all suggest that this variant is likely to be disruptive. In summary, the available evidence is currently insufficient to determine the role of this variant in disease. Therefore, it has been classified as a Variant of Uncertain Significance.

Blueprint Genetics
Classification: Uncertain significance. Last evaluated: 2018-07-12. Review status: criteria provided, single submitter. Criteria: ACMG Guidelines, 2015. Collection method: clinical testing. Allele origin: germline.